The following is an entry in ClinVar:

NM_020401.4(NUP107):c.1576+9T>C

Gene: NUP107 (nucleoporin 107; plus strand). Cytogenetic location: 12q15.
Variant type: single nucleotide variant.
Coding change: c.1576+9T>C on transcript NM_020401.4 (MANE Select); 9 bases into the intron after coding-DNA position 1576, T replaced by C.
Molecular consequence: intron variant.
Genome position (GRCh38, 1-based): chr12:68,725,805, T>C. VCF-style: chr12-68725805-T-C. GRCh37 (hg19) VCF-style: chr12-69119585-T-C.
Other names: c.1489+9T>C (NM_001330192.2).
Identifiers: ClinVar variation 3046856 (VCV003046856.2), dbSNP rs747470154, ClinGen allele CA6677824.

ClinVar aggregate classification (germline): Likely benign (0 of 4 stars; one submission).

Conditions:
NUP107-related disorder. Also called: NUP107-related condition.

Allele frequency attached by ClinVar (database versions not stated): gnomAD exomes below 0.00001; ExAC 0.00001; gnomAD 0.00002; TOPMed 0.00003.
gnomAD v4.1: 5 of 1,355,354 alleles (0.00037%); highest among the groups gnomAD compares: African/African-American, 0.0059%; no homozygotes.

Submission:

PreventionGenetics, part of Exact Sciences
Classification: Likely benign for NUP107-related condition. Last evaluated: 2022-05-25. Review status: no assertion criteria provided. Collection method: clinical testing. Allele origin: germline.
Comment: This variant is classified as likely benign based on ACMG/AMP sequence variant interpretation guidelines (Richards et al. 2015 PMID: 25741868, with internal and published modifications).